The following is an entry in ClinVar:

NM_001232.4(CASQ2):c.607-113C>T

Gene: CASQ2 (calsequestrin 2; minus strand). Cytogenetic location: 1p13.1.
Variant type: single nucleotide variant.
Coding change: c.607-113C>T on transcript NM_001232.4 (MANE Select); 113 bases into the intron before coding-DNA position 607, C replaced by T.
Molecular consequence: intron variant.
Genome position (GRCh38, 1-based): chr1:115,727,235, G>A on the plus strand (C>T on the coding strand, the complement: CASQ2 is on the minus strand). VCF-style: chr1-115727235-G-A. GRCh37 (hg19) VCF-style: chr1-116269856-G-A.
Identifiers: ClinVar variation 674365 (VCV000674365.2), dbSNP rs41267507, ClinGen allele CA29636145.

ClinVar aggregate classification (germline): Likely benign. Review status: criteria provided, multiple submitters, no conflicts (2 of 4 stars). 2 submissions from 2 submitters: Likely benign (2). Last evaluated 2018-06-14.

Allele frequency attached by ClinVar (database versions not stated): 1000 Genomes Project 30x 0.00562; 1000 Genomes Project 0.00579; TOPMed 0.01296; gnomAD 0.01645 and 0.01700.

Submissions (2):

GeneDx
Classification: Likely benign. Last evaluated: 2018-06-14. Review status: criteria provided, single submitter. Criteria: GeneDx Variant Classification (06012015). Collection method: clinical testing. Allele origin: germline. Affected: yes.
Comment: This variant is considered likely benign or benign based on one or more of the following criteria: it is a conservative change, it occurs at a poorly conserved position in the protein, it is predicted to be benign by multiple in silico algorithms, and/or has population frequency not consistent with disease.

Breakthrough Genomics
Classification: Likely benign. Review status: criteria provided, single submitter. Criteria: ACMG Guidelines, 2015. Collection method: not provided. Allele origin: germline. Inheritance: Autosomal recessive inheritance. Affected: yes.